The following is an entry in ClinVar:

NM_005045.4(RELN):c.3463dup (p.Leu1155fs)

Gene: RELN (reelin; minus strand). Cytogenetic location: 7q22.1.
Variant type: Duplication.
Coding change: c.3463dup on transcript NM_005045.4 (MANE Select); coding-DNA position 3463, one base duplicated (C; older notation c.3463dupC).
Protein change: p.Leu1155fs; shifts the reading frame from leucine 1155.
Molecular consequence: frameshift variant.
Genome position (GRCh38, 1-based): chr7:103,596,532, G duplicated on the plus strand (C on the coding strand, the reverse complement: RELN is on the minus strand); the first of 2 consecutive G bases (chr7:103,596,532-103,596,533); duplicating either gives the same sequence. VCF-style (leftmost placement, unchanged base first): chr7-103596531-A-AG. GRCh37 (hg19) VCF-style: chr7-103236978-A-AG.
Other names: c.3463dup, p.Leu1155fs (NM_173054.3); short protein forms L1155fs.
Identifiers: ClinVar variation 930436 (VCV000930436.3), dbSNP rs1831540987, ClinGen allele CA1139660170.

ClinVar aggregate classification (germline): Likely pathogenic (1 of 4 stars; one submission).

Conditions:
Familial temporal lobe epilepsy 7. Identifiers: Orphanet 101046, MedGen C4225327, MONDO:0014639, OMIM 616436.

Submission:

Centre for Mendelian Genomics, University Medical Centre Ljubljana
Classification: Likely pathogenic for Familial temporal lobe epilepsy 7. Last evaluated: 2018-12-06. Review status: criteria provided, single submitter. Criteria: ACMG Guidelines, 2015. Collection method: clinical testing. Allele origin: unknown. Affected: yes.
Comment: This variant was classified as: Likely pathogenic. The following ACMG criteria were applied in classifying this variant: PVS1,PM2.